The following is an entry in ClinVar:

ClinVar aggregate classification (germline): Uncertain significance (1 of 4 stars; one submission).

Conditions:
Multiple endocrine neoplasia type 4. Also called: MULTIPLE ENDOCRINE NEOPLASIA, TYPE IV. Identifiers: Orphanet 276152, MedGen C1970712, MONDO:0012552, OMIM 610755.

Submission:

Labcorp Genetics (formerly Invitae), Labcorp
Classification: Uncertain significance for Multiple endocrine neoplasia type 4. Last evaluated: 2024-03-10. Review status: criteria provided, single submitter. Criteria: Invitae Variant Classification Sherloc (09022015). Collection method: clinical testing. Allele origin: germline.
Comment: This variant occurs in a non-coding region of the CDKN1B gene. It does not change the encoded amino acid sequence of the CDKN1B protein. This variant is not present in population databases (gnomAD no frequency). This variant has not been reported in the literature in individuals affected with CDKN1B-related conditions. In summary, the available evidence is currently insufficient to determine the role of this variant in disease. Therefore, it has been classified as a Variant of Uncertain Significance.

NM_004064.5(CDKN1B):c.-7G>T

Gene: CDKN1B (cyclin dependent kinase inhibitor 1B; plus strand). Cytogenetic location: 12p13.1.
Variant type: single nucleotide variant.
Coding change: c.-7G>T on transcript NM_004064.5 (MANE Select); 7 bases upstream of the start codon, G replaced by T.
Molecular consequence: 5 prime UTR variant.
Genome position (GRCh38, 1-based): chr12:12,717,833, G>T. VCF-style: chr12-12717833-G-T. GRCh37 (hg19) VCF-style: chr12-12870767-G-T.
Identifiers: ClinVar variation 3645264 (VCV003645264.2).